The following is an entry in ClinVar:

ClinVar aggregate classification (germline): Likely benign (1 of 4 stars; one submission).

Submission:

Women's Health and Genetics/Laboratory Corporation of America, LabCorp
Classification: Likely benign. Last evaluated: 2026-04-17. Review status: criteria provided, single submitter. Criteria: LabCorp Variant Classification Summary - May 2015. Collection method: clinical testing. Allele origin: germline.
Comment: Variant summary: CYBB c.484-19_484-14dupGTGTGT alters a nucleotide located at a position not widely known to affect splicing. Consensus agreement among computation tools predict no significant impact on normal splicing. However, these predictions have yet to be confirmed by functional studies. The variant was absent in 116750 control chromosomes, however is located in a highly polymorphic region with several high frequency variants affecting the same nucleotides. The available data on variant occurrences in the general population are insufficient to allow any conclusion about variant significance. To our knowledge, no occurrence of c.484-19_484-14dupGTGTGT in individuals affected with CYBB-related conditions and no experimental evidence demonstrating its impact on protein function have been reported. No submitters have cited clinical-significance assessments for this variant to ClinVar. Based on the evidence outlined above, the variant was classified as likely benign.

NM_000397.4(CYBB):c.484-60TG[26]

Gene: CYBB (cytochrome b-245 beta chain; plus strand). Cytogenetic location: Xp21.1.
Variant type: Microsatellite.
Coding change: c.484-60TG[26] on transcript NM_000397.4 (MANE Select); 26 copies in a row of the 2-base unit TG starting at c.484-60.
Molecular consequence: intron variant.
Genome position: GRCh38 VCF-style: chrX-37795890-A-ATGTGTG. GRCh37 (hg19) VCF-style: chrX-37655143-A-ATGTGTG.
Other names: c.484-19_484-14dupGTGTGT (NM_000397.4).
Identifiers: ClinVar variation 4848468 (VCV004848468.1).
Genomic context (GRCh38, chrX:37,795,890, plus strand): 5'-TACATTGGACACTTTATAATAGTCCTGCATTTGAGAACCTATAATATTGTGCTTGCGCAC[A>ATGTGTG]TGTGTGTGTGTGTGTGTGTGTGTGTGTGTGTGTGTGTGTGTGTGTGTTTATATTTTACAG-3'